The following is an entry in ClinVar:

NM_000094.4(COL7A1):c.8305-21G>C

Gene: COL7A1 (collagen type VII alpha 1 chain; minus strand). Cytogenetic location: 3p21.31.
Variant type: single nucleotide variant.
Coding change: c.8305-21G>C on transcript NM_000094.4 (MANE Select); 21 bases into the intron before coding-DNA position 8305, G replaced by C.
Molecular consequence: intron variant.
Genome position (GRCh38, 1-based): chr3:48,566,584, C>G on the plus strand (G>C on the coding strand, the complement: COL7A1 is on the minus strand). VCF-style: chr3-48566584-C-G. GRCh37 (hg19) VCF-style: chr3-48604017-C-G.
Identifiers: ClinVar variation 4990629 (VCV004990629.1).

ClinVar aggregate classification (germline): Likely benign (1 of 4 stars; one submission).

Conditions:
COL7A1-related disorder. Also called: COL7A1-related condition; COL7A1- related disorders.

gnomAD v4.1: 7 of 1,614,170 alleles (0.00043%); highest among the groups gnomAD compares: Admixed American, 0.012%; no homozygotes.

Submission:

PreventionGenetics, part of Exact Sciences
Classification: Likely benign for COL7A1-related condition. Last evaluated: 2026-06-02. Review status: criteria provided, single submitter. Criteria: ACMG Guidelines, 2015. Collection method: clinical testing. Allele origin: germline.
Comment: This variant is classified as likely benign based on ACMG/AMP sequence variant interpretation guidelines (Richards et al. 2015 PMID: 25741868, with internal and published modifications).